The following is an entry in ClinVar:

ClinVar aggregate classification (germline): Uncertain significance (1 of 4 stars; one submission).

Conditions:
Hereditary nonpolyposis colorectal neoplasms. Identifiers: MedGen C0009405, MeSH D003123.

Submission:

Labcorp Genetics (formerly Invitae), Labcorp
Classification: Uncertain significance for Hereditary nonpolyposis colorectal neoplasms. Last evaluated: 2024-05-21. Review status: criteria provided, single submitter. Criteria: Invitae Variant Classification Sherloc (09022015). Collection method: clinical testing. Allele origin: germline.
Comment: This sequence change replaces glutamic acid, which is acidic and polar, with glutamine, which is neutral and polar, at codon 94 of the PMS2 protein (p.Glu94Gln). This variant is not present in population databases (gnomAD no frequency). This variant has not been reported in the literature in individuals affected with PMS2-related conditions. Advanced modeling of protein sequence and biophysical properties (such as structural, functional, and spatial information, amino acid conservation, physicochemical variation, residue mobility, and thermodynamic stability) performed at Invitae indicates that this missense variant is not expected to disrupt PMS2 protein function with a negative predictive value of 80%. In summary, the available evidence is currently insufficient to determine the role of this variant in disease. Therefore, it has been classified as a Variant of Uncertain Significance.

NM_000535.7(PMS2):c.280G>C (p.Glu94Gln)

Gene: PMS2 (PMS1 homolog 2, mismatch repair system component; minus strand). Cytogenetic location: 7p22.1.
Variant type: single nucleotide variant.
Coding change: c.280G>C on transcript NM_000535.7 (MANE Select); coding-DNA position 280, G replaced by C.
Protein change: p.Glu94Gln; replaces glutamic acid 94 with glutamine.
Molecular consequence: missense variant. On other transcripts: 5 prime UTR variant (35), non-coding transcript variant (1), intron variant (11).
Genome position (GRCh38, 1-based): chr7:6,003,763, C>G on the plus strand (G>C on the coding strand, the complement: PMS2 is on the minus strand). VCF-style: chr7-6003763-C-G. GRCh37 (hg19) VCF-style: chr7-6043394-C-G.
Other names: c.280G>C, p.Glu94Gln (NM_001406886.1, NM_001406912.1, NM_001322006.2 and 8 more transcripts); c.-126G>C (NM_001406887.1, NM_001406891.1, NM_001406893.1 and 13 more transcripts); c.-73G>C (NM_001406888.1, NM_001406889.1, NM_001406892.1 and 6 more transcripts); c.-116G>C (NM_001406890.1); c.35+209G>C (NM_001322008.2, NM_001406902.1, NM_001406883.1 and 4 more transcripts); c.-132+209G>C (NM_001406881.1, NM_001406900.1); c.-605G>C (NM_001322011.2, NM_001322012.2); c.-205G>C (NM_001322015.2, NM_001406875.1, NM_001406877.1 and 3 more transcripts); and 5 more; short protein forms E102Q, E94Q, E156Q.
Identifiers: ClinVar variation 3654011 (VCV003654011.2).